The following is an entry in ClinVar:

ClinVar aggregate classification (germline): Uncertain significance (1 of 4 stars; one submission).

Conditions:
Intellectual developmental disorder, autosomal dominant 58. Also called: MENTAL RETARDATION, AUTOSOMAL DOMINANT 58; Intellectual disability, autosomal dominant 58. Identifiers: MedGen C4748195, MONDO:0020847, OMIM 618106.

Submission:

Centre for Mendelian Genomics, University Medical Centre Ljubljana
Classification: Uncertain significance for Intellectual developmental disorder, autosomal dominant 58. Last evaluated: 2020-03-26. Review status: criteria provided, single submitter. Criteria: ACMG Guidelines, 2015. Collection method: clinical testing. Allele origin: unknown. Affected: yes.
Comment: This variant was classified as: Uncertain significance. The available evidence on this variant's pathogenicity is insufficient or conflicting. The following ACMG criteria were applied in classifying this variant: PVS1.

NM_003011.4(SET):c.73_73+1insAAAAAGAACAGCAAGAAGCGATTGAACACATTGAT

Gene: SET (SET nuclear proto-oncogene; plus strand). Cytogenetic location: 9q34.11.
Variant type: Insertion.
Coding change: c.73_73+1insAAAAAGAACAGCAAGAAGCGATTGAACACATTGAT on transcript NM_003011.4 (MANE Select); coding-DNA position 73 through the canonical splice donor site of the intron after coding-DNA position 73, AAAAAGAACAGCAAGAAGCGATTGAACACATTGAT inserted.
Molecular consequence: splice donor variant. On other transcripts: intron variant (3).
Genome position: GRCh38: chr9:128,689,655-128,689,656. GRCh37 (hg19): chr9:131,451,934-131,451,935.
Other names: c.113-1515_113-1514insAAAAAGAACAGCAAGAAGCGATTGAACACATTGAT (NM_001374326.1, NM_001122821.2); c.47-1515_47-1514insAAAAAGAACAGCAAGAAGCGATTGAACACATTGAT (NM_001248000.2).
Identifiers: ClinVar variation 930935 (VCV000930935.3), dbSNP rs745491546, ClinGen allele CA5266858.